The following is an entry in ClinVar:

ClinVar aggregate classification (germline): Benign (1 of 4 stars; one submission).

Allele frequency attached by ClinVar (database versions not stated): gnomAD 0.10660 and 0.10734; TOPMed 0.11093; 1000 Genomes Project 0.15076; 1000 Genomes Project 30x 0.15162.
gnomAD v4.1: 16,231 of 152,250 alleles (11%); highest among the groups gnomAD compares: African/African-American, 23%; 1,404 homozygotes.

Submission:

GeneDx
Classification: Benign. Last evaluated: 2018-06-14. Review status: criteria provided, single submitter. Criteria: GeneDx Variant Classification (06012015). Collection method: clinical testing. Allele origin: germline. Affected: yes.
Comment: This variant is considered likely benign or benign based on one or more of the following criteria: it is a conservative change, it occurs at a poorly conserved position in the protein, it is predicted to be benign by multiple in silico algorithms, and/or has population frequency not consistent with disease.

NM_000834.5(GRIN2B):c.2359+224A>C

Gene: GRIN2B (glutamate ionotropic receptor NMDA type subunit 2B; minus strand). Cytogenetic location: 12p13.1.
Variant type: single nucleotide variant.
Coding change: c.2359+224A>C on transcript NM_000834.5 (MANE Select); 224 bases into the intron after coding-DNA position 2359, A replaced by C.
Molecular consequence: intron variant.
Genome position (GRCh38, 1-based): chr12:13,569,606, T>G on the plus strand (A>C on the coding strand, the complement: GRIN2B is on the minus strand). VCF-style: chr12-13569606-T-G. GRCh37 (hg19) VCF-style: chr12-13722540-T-G.
Identifiers: ClinVar variation 681806 (VCV000681806.1), dbSNP rs2270358, ClinGen allele CA16436984.